The following is an entry in ClinVar:

NM_012281.3(KCND2):c.76C>T (p.Pro26Ser)

Gene: KCND2 (potassium voltage-gated channel subfamily D member 2; plus strand). Cytogenetic location: 7q31.31.
Variant type: single nucleotide variant.
Coding change: c.76C>T on transcript NM_012281.3 (MANE Select); coding-DNA position 76, C replaced by T.
Protein change: p.Pro26Ser; replaces proline 26 with serine.
Molecular consequence: missense variant.
Genome position (GRCh38, 1-based): chr7:120,274,708, C>T. VCF-style: chr7-120274708-C-T. GRCh37 (hg19) VCF-style: chr7-119914762-C-T.
Other names: c.76C>T (NM_012281.2); short protein forms P26S.
Identifiers: ClinVar variation 1008472 (VCV001008472.9), dbSNP rs373082898, ClinGen allele CA165779037.

ClinVar aggregate classification (germline): Uncertain significance. Review status: criteria provided, multiple submitters, no conflicts (2 of 4 stars). 2 submissions from 2 submitters: Uncertain significance (2). Last evaluated 2025-10-11.

Conditions:
Early Myoclonic Encephalopathy. Identifiers: MedGen C0270855.

Allele frequency attached by ClinVar (database versions not stated): TOPMed 0.00002; gnomAD 0.00002; ESP Exome Variant Server 0.00015.
gnomAD v4.1: 3 of 1,613,662 alleles (0.00019%); highest among the groups gnomAD compares: African/African-American, 0.0027%; no homozygotes.

Submissions (2):

Labcorp Genetics (formerly Invitae), Labcorp
Classification: Uncertain significance for Early Myoclonic Encephalopathy. Last evaluated: 2025-10-11. Review status: criteria provided, single submitter. Criteria: Invitae Variant Classification Sherloc (09022015). Collection method: clinical testing. Allele origin: germline.
Comment: This sequence change replaces proline, which is neutral and non-polar, with serine, which is neutral and polar, at codon 26 of the KCND2 protein (p.Pro26Ser). This variant is not present in population databases (gnomAD no frequency). This variant has not been reported in the literature in individuals affected with KCND2-related conditions. ClinVar contains an entry for this variant (Variation ID: 1008472). Invitae Evidence Modeling of protein sequence and biophysical properties (such as structural, functional, and spatial information, amino acid conservation, physicochemical variation, residue mobility, and thermodynamic stability) indicates that this missense variant is not expected to disrupt KCND2 protein function with a negative predictive value of 95%. In summary, the available evidence is currently insufficient to determine the role of this variant in disease. Therefore, it has been classified as a Variant of Uncertain Significance.

GeneDx
Classification: Uncertain significance. Last evaluated: 2025-03-27. Review status: criteria provided, single submitter. Criteria: GeneDx Variant Classification Process June 2021. Collection method: clinical testing. Allele origin: germline. Affected: yes.
Comment: Not observed at significant frequency in large population cohorts (gnomAD); In silico analysis supports that this missense variant has a deleterious effect on protein structure/function; Has not been previously published as pathogenic or benign to our knowledge